The following is an entry in ClinVar:

ClinVar aggregate classification (germline): Uncertain significance. Review status: criteria provided, multiple submitters, no conflicts (2 of 4 stars). 2 submissions from 2 submitters: Uncertain significance (2). Last evaluated 2022-08-21.

Conditions:
Pigmentary pallidal degeneration (NBIA1). Also called: Neuroaxonal dystrophy, late infantile; Hallervorden-Spatz disease; PKAN NEUROAXONAL DYSTROPHY, JUVENILE-ONSET; Pantothenate Kinase-Associated Neurodegeneration; HARP SYNDROME; Neurodegeneration with brain iron accumulation 1. Identifiers: Orphanet 157850, MedGen C0018523, MONDO:0009319, OMIM 234200.

Allele frequency attached by ClinVar (database versions not stated): gnomAD exomes below 0.00001.
gnomAD v4.1: 1 of 1,614,200 alleles (0.000062%); highest among the groups gnomAD compares: South Asian, 0.0011%; no homozygotes.

Submissions (2):

Labcorp Genetics (formerly Invitae), Labcorp
Classification: Uncertain significance for Pigmentary pallidal degeneration. Last evaluated: 2022-08-21. Review status: criteria provided, single submitter. Criteria: Invitae Variant Classification Sherloc (09022015). Collection method: clinical testing. Allele origin: germline.
Comment: In summary, the available evidence is currently insufficient to determine the role of this variant in disease. Therefore, it has been classified as a Variant of Uncertain Significance. This sequence change replaces leucine, which is neutral and non-polar, with arginine, which is basic and polar, at codon 252 of the PANK2 protein (p.Leu252Arg). This variant is not present in population databases (gnomAD no frequency). This variant has not been reported in the literature in individuals affected with PANK2-related conditions. Algorithms developed to predict the effect of missense changes on protein structure and function are either unavailable or do not agree on the potential impact of this missense change (SIFT: "Deleterious"; PolyPhen-2: "Probably Damaging"; Align-GVGD: "Class C0").

Foundation for Research in Genetics and Endocrinology, FRIGE's Institute of Human Genetics
Classification: Uncertain significance for Pigmentary pallidal degeneration. Last evaluated: 2022-04-09. Review status: criteria provided, single submitter. Criteria: ACMG Guidelines, 2015. Collection method: clinical testing. Allele origin: germline. Inheritance: Autosomal recessive inheritance. Affected: yes. Observed: 1 heterozygote.
Comment: Heterozygous missense variation in exon2 of PANK2 gene that result in the amino acis substitution of arginine for leucine at codon 252 was detected. The variant has not been reported in the 1000 genomes and gnomAD databases. The in silico prediction of the variant is benign by PolyPhen-2 (HumDiv), SIFT, LRT and MutationTaster2. The reference codon is conserved across species. In summary, the variant meets our criteria to be classified as a variant of uncertain significance.

NM_001386393.1(PANK2):c.425T>G (p.Leu142Arg)

Gene: PANK2 (pantothenate kinase 2; plus strand). Cytogenetic location: 20p13.
Variant type: single nucleotide variant.
Coding change: c.425T>G on transcript NM_001386393.1 (MANE Select); coding-DNA position 425, T replaced by G.
Protein change: p.Leu142Arg; replaces leucine 142 with arginine.
Molecular consequence: missense variant. On other transcripts: 5 prime UTR variant (4), non-coding transcript variant (1).
Genome position (GRCh38, 1-based): chr20:3,908,052, T>G. VCF-style: chr20-3908052-T-G. GRCh37 (hg19) VCF-style: chr20-3888699-T-G.
Other names: p.Leu252Arg; c.-119T>G (NM_001324191.2, NM_024960.6, NM_153640.4); c.755T>G, p.Leu252Arg (NM_001324192.1, NM_153638.4); c.-411T>G (NM_001324193.2); short protein forms L142R, L252R.
Identifiers: ClinVar variation 1701829 (VCV001701829.8), dbSNP rs2146859529, ClinGen allele CA408112425.
Genomic context (GRCh38, chr20:3,908,052, plus strand): 5'-ACATCACTGCTGAAGAAGAAGAGGAAGAAGTGGAAAGTCTTAAAAGCATTCGGAAGTACC[T>G]GACCTCCAATGTGGCTTATGGGTCTACAGGCATTCGGGACGTGCACCTCGAGCTGAAGGA-3'
Protein context (NP_001373322.1, residues 132-152): VESLKSIRKY[Leu142Arg]TSNVAYGSTG